The following is an entry in ClinVar:

ClinVar aggregate classification (germline): Uncertain significance (1 of 4 stars; one submission).

Conditions:
Hereditary pheochromocytoma and paraganglioma. Also called: Hereditary Paraganglioma-Pheochromocytoma Syndromes; Hereditary pheochromocytoma-paraganglioma; Hereditary paragangliomas and pheochromocytomas. Identifiers: Orphanet 29072, MedGen C4274332, MONDO:0017366.

Submission:

Labcorp Genetics (formerly Invitae), Labcorp
Classification: Uncertain significance for Hereditary pheochromocytoma and paraganglioma. Last evaluated: 2023-11-11. Review status: criteria provided, single submitter. Criteria: Invitae Variant Classification Sherloc (09022015). Collection method: clinical testing. Allele origin: germline.
Comment: This sequence change replaces histidine, which is basic and polar, with arginine, which is basic and polar, at codon 198 of the TMEM127 protein (p.His198Arg). This variant is not present in population databases (gnomAD no frequency). This variant has not been reported in the literature in individuals affected with TMEM127-related conditions. An algorithm developed to predict the effect of missense changes on protein structure and function (PolyPhen-2) suggests that this variant is likely to be tolerated. In summary, the available evidence is currently insufficient to determine the role of this variant in disease. Therefore, it has been classified as a Variant of Uncertain Significance.

NM_017849.4(TMEM127):c.593A>G (p.His198Arg)

Gene: TMEM127 (transmembrane protein 127; minus strand). Cytogenetic location: 2q11.2.
Variant type: single nucleotide variant.
Coding change: c.593A>G on transcript NM_017849.4 (MANE Select); coding-DNA position 593, A replaced by G.
Protein change: p.His198Arg; replaces histidine 198 with arginine.
Molecular consequence: missense variant.
Genome position (GRCh38, 1-based): chr2:96,253,932, T>C on the plus strand (A>G on the coding strand, the complement: TMEM127 is on the minus strand). VCF-style: chr2-96253932-T-C. GRCh37 (hg19) VCF-style: chr2-96919670-T-C.
Other names: c.593A>G, p.His198Arg (NM_001193304.3); c.341A>G, p.His114Arg (NM_001407282.1, NM_001407283.1); short protein forms H198R, H114R.
Identifiers: ClinVar variation 2695020 (VCV002695020.3), dbSNP rs2467263203, ClinGen allele CA347652095.